The following is an entry in ClinVar:

NM_000545.8(HNF1A):c.428A>G (p.His143Arg)

Gene: HNF1A (HNF1 homeobox A; plus strand). Cytogenetic location: 12q24.31.
Variant type: single nucleotide variant.
Coding change: c.428A>G on transcript NM_000545.8 (MANE Select); coding-DNA position 428, A replaced by G.
Protein change: p.His143Arg; replaces histidine 143 with arginine.
Molecular consequence: missense variant.
Genome position (GRCh38, 1-based): chr12:120,988,934, A>G. VCF-style: chr12-120988934-A-G. GRCh37 (hg19) VCF-style: chr12-121426737-A-G.
Other names: c.428A>G, p.His143Arg (NM_001306179.2, NM_001406915.1); short protein forms H143R.
Identifiers: ClinVar variation 2744085 (VCV002744085.3), dbSNP rs2499987695, ClinGen allele CA386959945.
Genomic context (GRCh38, chr12:120,988,934, plus strand): 5'-TGCAGCAGCACAACATCCCACAGCGGGAGGTGGTCGATACCACTGGCCTCAACCAGTCCC[A>G]CCTGTCCCAACACCTCAACAAGGGCACTCCCATGAAGACGCAGAAGCGGGCCGCCCTGTA-3'
Protein context (NP_000536.6, residues 133-153): VVDTTGLNQS[His143Arg]LSQHLNKGTP

ClinVar aggregate classification (germline): Uncertain significance (1 of 4 stars; one submission).

Submission:

Labcorp Genetics (formerly Invitae), Labcorp
Classification: Uncertain significance. Last evaluated: 2023-07-16. Review status: criteria provided, single submitter. Criteria: Invitae Variant Classification Sherloc (09022015). Collection method: clinical testing. Allele origin: germline.
Comment: This sequence change replaces histidine, which is basic and polar, with arginine, which is basic and polar, at codon 143 of the HNF1A protein (p.His143Arg). This variant is not present in population databases (gnomAD no frequency). This variant has not been reported in the literature in individuals affected with HNF1A-related conditions. Advanced modeling of protein sequence and biophysical properties (such as structural, functional, and spatial information, amino acid conservation, physicochemical variation, residue mobility, and thermodynamic stability) performed at Invitae indicates that this missense variant is not expected to disrupt HNF1A protein function. In summary, the available evidence is currently insufficient to determine the role of this variant in disease. Therefore, it has been classified as a Variant of Uncertain Significance.